The following is an entry in ClinVar:

NM_001376.5(DYNC1H1):c.5023G>A (p.Gly1675Ser)

Gene: DYNC1H1 (dynein cytoplasmic 1 heavy chain 1; plus strand). Cytogenetic location: 14q32.31.
Variant type: single nucleotide variant.
Coding change: c.5023G>A on transcript NM_001376.5 (MANE Select); coding-DNA position 5023, G replaced by A.
Protein change: p.Gly1675Ser; replaces glycine 1675 with serine.
Molecular consequence: missense variant.
Genome position (GRCh38, 1-based): chr14:102,004,657, G>A. VCF-style: chr14-102004657-G-A. GRCh37 (hg19) VCF-style: chr14-102470994-G-A.
Other names: short protein forms G1675S.
Identifiers: ClinVar variation 3363975 (VCV003363975.1).

ClinVar aggregate classification (germline): Uncertain significance (1 of 4 stars; one submission).

Submission:

GeneDx
Classification: Uncertain significance. Last evaluated: 2023-11-07. Review status: criteria provided, single submitter. Criteria: GeneDx Variant Classification Process June 2021. Collection method: clinical testing. Allele origin: germline. Affected: yes.
Comment: Not observed at significant frequency in large population cohorts (gnomAD); In silico analysis supports that this missense variant has a deleterious effect on protein structure/function; Has not been previously published as pathogenic or benign to our knowledge; This variant is associated with the following publications: (PMID: 25512093, 25609763, 26100331)